The following is an entry in ClinVar:

ClinVar aggregate classification (germline): Likely benign. Review status: criteria provided, multiple submitters, no conflicts (2 of 4 stars). 2 submissions from 2 submitters: Likely benign (2). Last evaluated 2025-08-01.

Conditions:
Hereditary cancer-predisposing syndrome. Also called: Neoplastic Syndromes, Hereditary; Tumor predisposition; Hereditary Cancer Syndrome; Hereditary neoplastic syndrome. Identifiers: Orphanet 140162, MedGen C0027672, MeSH D009386, MONDO:0015356.

gnomAD v4.1: 4 of 1,537,652 alleles (0.00026%); highest among the groups gnomAD compares: South Asian, 0.0036%; no homozygotes.

Submissions (2):

CeGaT Center for Human Genetics Tuebingen
Classification: Likely benign. Last evaluated: 2025-08-01. Review status: criteria provided, single submitter. Criteria: CeGaT Center For Human Genetics Tuebingen Variant Classification Criteria Version 2. Collection method: clinical testing. Allele origin: germline. Affected: yes. Observed: 1 variant allele.
Comment: PHOX2B: BP4, BP7

Ambry Genetics
Classification: Likely benign for Hereditary cancer-predisposing syndrome. Last evaluated: 2024-01-06. Review status: criteria provided, single submitter. Criteria: Ambry Variant Classification Scheme 2023. Collection method: clinical testing. Allele origin: germline.

NM_003924.4(PHOX2B):c.660G>C (p.Pro220=)

Gene: PHOX2B (paired like homeobox 2B; minus strand). Cytogenetic location: 4p13.
Variant type: single nucleotide variant.
Coding change: c.660G>C on transcript NM_003924.4 (MANE Select); coding-DNA position 660, G replaced by C.
Protein change: p.Pro220=; no amino-acid change (proline 220 retained).
Molecular consequence: synonymous variant.
Genome position (GRCh38, 1-based): chr4:41,746,092, C>G on the plus strand (G>C on the coding strand, the complement: PHOX2B is on the minus strand). VCF-style: chr4-41746092-C-G. GRCh37 (hg19) VCF-style: chr4-41748109-C-G.
Identifiers: ClinVar variation 3223594 (VCV003223594.9), dbSNP rs1435630597, ClinGen allele CA439142957.